The following is an entry in ClinVar:

ClinVar aggregate classification (germline): Pathogenic (1 of 4 stars; one submission).

Submission:

Labcorp Genetics (formerly Invitae), Labcorp
Classification: Pathogenic. Last evaluated: 2023-07-18. Review status: criteria provided, single submitter. Criteria: Invitae Variant Classification Sherloc (09022015). Collection method: clinical testing. Allele origin: germline.
Comment: This sequence change creates a premature translational stop signal (p.Ala349Aspfs*20) in the MUT gene. It is expected to result in an absent or disrupted protein product. Loss-of-function variants in MUT are known to be pathogenic (PMID: 15781192). This variant is not present in population databases (gnomAD no frequency). This premature translational stop signal has been observed in individual(s) with methylmalonic aciduria (PMID: 23430940). ClinVar contains an entry for this variant (Variation ID: 2136406). For these reasons, this variant has been classified as Pathogenic.

Literature cited by the submitters: PubMed 15781192; PubMed 23430940.

NM_000255.4(MMUT):c.1046_1058del (p.Ala349fs)

Gene: MMUT (methylmalonyl-CoA mutase; minus strand). Cytogenetic location: 6p12.3.
Variant type: Deletion.
Coding change: c.1046_1058del on transcript NM_000255.4 (MANE Select); coding-DNA positions 1046 to 1058, 13 bases deleted (CACACTGTCAGAC).
Protein change: p.Ala349fs; shifts the reading frame from alanine 349.
Molecular consequence: frameshift variant.
Genome position (GRCh38, 1-based): chr6:49,453,610-49,453,622, GTCTGACAGTGTG deleted on the plus strand (CACACTGTCAGAC on the coding strand, the reverse complement: MMUT is on the minus strand). VCF-style (leftmost placement, unchanged base first): chr6-49453609-TGTCTGACAGTGTG-T. GRCh37 (hg19) VCF-style: chr6-49421322-TGTCTGACAGTGTG-T.
Other names: short protein forms A349fs.
Identifiers: ClinVar variation 2136406 (VCV002136406.4), dbSNP rs1561957395, ClinGen allele CA917744613.